The following is an entry in ClinVar:

ClinVar aggregate classification (germline): Uncertain significance. Review status: criteria provided, multiple submitters, no conflicts (2 of 4 stars). 2 submissions from 2 submitters: Uncertain significance (2). Last evaluated 2024-04-16.

Conditions:
Cardiomyopathy (CMYO). Also called: Cardiomyopathies. Identifiers: Orphanet 167848, MedGen C0878544, MONDO:0004994, HP:0001638. Inheritance: Various modes of inheritance.
Arrhythmogenic cardiomyopathy with wooly hair and keratoderma. Also called: Carvajal syndrome; PALMOPLANTAR KERATODERMA WITH LEFT VENTRICULAR CARDIOMYOPATHY AND WOOLLY HAIR; Dilated cardiomyopathy with woolly hair and keratoderma; Arrhythmogenic cardiomyopathy with woolly hair and keratoderma. Identifiers: Orphanet 65282, MedGen C1854063, MONDO:0011581, OMIM 605676.

gnomAD v4.1: 3 of 1,614,168 alleles (0.00019%); no homozygotes.

Submissions (2):

All of Us Research Program, National Institutes of Health
Classification: Uncertain significance for Arrhythmogenic cardiomyopathy with wooly hair and keratoderma. Last evaluated: 2024-04-16. Review status: criteria provided, single submitter. Criteria: ACMG Guidelines, 2015. Collection method: clinical testing. Allele origin: germline. Inheritance: Autosomal dominant inheritance. Observed: 1 variant allele, 1 heterozygote.
Comment: This missense variant replaces valine with leucine at codon 476 of the DSP protein. Computational prediction suggests that this variant may not impact protein structure and function (internally defined REVEL score threshold <= 0.5, PMID: 27666373). To our knowledge, functional studies have not been reported for this variant. This variant has not been reported in individuals affected with DSP-related disorders in the literature. This variant has not been identified in the general population by the Genome Aggregation Database (gnomAD). The available evidence is insufficient to determine the role of this variant in disease conclusively. Therefore, this variant is classified as a Variant of Uncertain Significance.

This study involves interpretation of variants in research participants for the purpose of population health screening. Participant phenotype was not available at the time of variant classification. Additional details can be found in publication PMID: 35346344, PMCID: PMC8962531

Color Diagnostics, LLC DBA Color Health
Classification: Uncertain significance for Cardiomyopathy. Last evaluated: 2024-04-05. Review status: criteria provided, single submitter. Criteria: ACMG Guidelines, 2015. Collection method: clinical testing. Allele origin: germline.
Comment: This missense variant replaces valine with leucine at codon 476 of the DSP protein. Computational prediction suggests that this variant may not impact protein structure and function. To our knowledge, functional studies have not been reported for this variant. This variant has not been reported in individuals affected with DSP-related disorders in the literature. This variant has not been identified in the general population by the Genome Aggregation Database (gnomAD). The available evidence is insufficient to determine the role of this variant in disease conclusively. Therefore, this variant is classified as a Variant of Uncertain Significance.

NM_004415.4(DSP):c.1426G>C (p.Val476Leu)

Gene: DSP (desmoplakin; plus strand). Cytogenetic location: 6p24.3.
Variant type: single nucleotide variant.
Coding change: c.1426G>C on transcript NM_004415.4 (MANE Select); coding-DNA position 1426, G replaced by C.
Protein change: p.Val476Leu; replaces valine 476 with leucine.
Molecular consequence: missense variant.
Genome position (GRCh38, 1-based): chr6:7,569,192, G>C. VCF-style: chr6-7569192-G-C. GRCh37 (hg19) VCF-style: chr6-7569425-G-C.
Other names: c.1426G>C, p.Val476Leu (NM_001008844.3, NM_001319034.2); short protein forms V476L.
Identifiers: ClinVar variation 3386631 (VCV003386631.2).